The following is an entry in ClinVar:

ClinVar aggregate classification (germline): Conflicting classifications of pathogenicity. Review status: criteria provided, conflicting classifications (1 of 4 stars). 6 submissions from 6 submitters: Uncertain significance (4); Likely benign (1). 1 of the submissions does not count toward it. Last evaluated 2025-08-21.

Conditions:
Inborn genetic diseases. Identifiers: MedGen C0950123, MeSH D030342.
Smith-Lemli-Opitz syndrome (SLOS). Also called: 7-Dehydrocholesterol reductase deficiency; LETHAL ACRODYSGENITAL SYNDROME; POLYDACTYLY, SEX REVERSAL, RENAL HYPOPLASIA, AND UNILOBAR LUNG; RSH SYNDROME; RUTLEDGE LETHAL MULTIPLE CONGENITAL ANOMALY SYNDROME. Identifiers: Orphanet 818, MedGen C0175694, MONDO:0010035, OMIM 270400.

Allele frequency attached by ClinVar (database versions not stated): gnomAD 0.00001 and 0.00006; TOPMed 0.00002; ExAC 0.00005; gnomAD exomes 0.00005; 1000 Genomes Project 30x 0.00016; 1000 Genomes Project 0.00020.

Submissions (6):

Ambry Genetics
Classification: Uncertain significance for Inborn genetic diseases. Last evaluated: 2025-08-21. Review status: criteria provided, single submitter. Criteria: Ambry Variant Classification Scheme 2023. Collection method: clinical testing. Allele origin: germline.

Fulgent Genetics
Classification: Uncertain significance for Smith-Lemli-Opitz syndrome. Last evaluated: 2024-06-17. Review status: criteria provided, single submitter. Criteria: ACMG Guidelines, 2015. Collection method: clinical testing. Allele origin: germline.

Labcorp Genetics (formerly Invitae), Labcorp
Classification: Uncertain significance for Smith-Lemli-Opitz syndrome. Last evaluated: 2023-12-11. Review status: criteria provided, single submitter. Criteria: Invitae Variant Classification Sherloc (09022015). Collection method: clinical testing. Allele origin: germline.
Comment: This sequence change replaces alanine, which is neutral and non-polar, with threonine, which is neutral and polar, at codon 206 of the DHCR7 protein (p.Ala206Thr). This variant is present in population databases (rs542744675, gnomAD 0.04%). This variant has not been reported in the literature in individuals affected with DHCR7-related conditions. ClinVar contains an entry for this variant (Variation ID: 589344). Advanced modeling of protein sequence and biophysical properties (such as structural, functional, and spatial information, amino acid conservation, physicochemical variation, residue mobility, and thermodynamic stability) has been performed at Invitae for this missense variant, however the output from this modeling did not meet the statistical confidence thresholds required to predict the impact of this variant on DHCR7 protein function. In summary, the available evidence is currently insufficient to determine the role of this variant in disease. Therefore, it has been classified as a Variant of Uncertain Significance.

Blueprint Genetics
Classification: Likely benign. Last evaluated: 2021-11-19. Review status: criteria provided, single submitter. Criteria: ACMG Guidelines, 2015. Collection method: clinical testing. Allele origin: germline.

Genome-Nilou Lab
Classification: Uncertain significance for Smith-Lemli-Opitz syndrome. Last evaluated: 2021-07-14. Review status: criteria provided, single submitter. Criteria: ACMG Guidelines, 2015. Collection method: clinical testing. Allele origin: germline. Affected: no.

Natera, Inc.
Classification: Uncertain significance for Smith-Lemli-Opitz syndrome. Last evaluated: 2018-09-16. Review status: no assertion criteria provided. Collection method: clinical testing. Allele origin: germline. Not counted in ClinVar's aggregate classification.

NM_001360.3(DHCR7):c.616G>A (p.Ala206Thr)

Gene: DHCR7 (7-dehydrocholesterol reductase; minus strand). Cytogenetic location: 11q13.4.
Variant type: single nucleotide variant.
Coding change: c.616G>A on transcript NM_001360.3 (MANE Select); coding-DNA position 616, G replaced by A.
Protein change: p.Ala206Thr; replaces alanine 206 with threonine.
Molecular consequence: missense variant.
Genome position (GRCh38, 1-based): chr11:71,441,237, C>T on the plus strand (G>A on the coding strand, the complement: DHCR7 is on the minus strand). VCF-style: chr11-71441237-C-T. GRCh37 (hg19) VCF-style: chr11-71152283-C-T.
Other names: c.616G>A, p.Ala206Thr (NM_001163817.2); short protein forms A206T.
Identifiers: ClinVar variation 589344 (VCV000589344.18), dbSNP rs542744675, ClinGen allele CA6162523.